The following is an entry in ClinVar:

ClinVar aggregate classification (germline): Uncertain significance (1 of 4 stars; one submission).

Conditions:
Developmental and epileptic encephalopathy 94 (DEE94). Also called: CHD2-Related Neurodevelopmental Disorders; Epileptic encephalopathy, childhood-onset. Identifiers: Orphanet 1942, Orphanet 2382, MedGen C3809278, MONDO:0014150, OMIM 615369.

gnomAD v4.1: 2 of 1,612,952 alleles (0.00012%); highest among the groups gnomAD compares: Non-Finnish European, 0.00017%; no homozygotes.

Submission:

Labcorp Genetics (formerly Invitae), Labcorp
Classification: Uncertain significance for Developmental and epileptic encephalopathy 94. Last evaluated: 2022-11-09. Review status: criteria provided, single submitter. Criteria: Invitae Variant Classification Sherloc (09022015). Collection method: clinical testing. Allele origin: germline.
Comment: This sequence change replaces arginine, which is basic and polar, with proline, which is neutral and non-polar, at codon 1440 of the CHD2 protein (p.Arg1440Pro). This variant is present in population databases (rs374157769, gnomAD 0.0009%). This variant has not been reported in the literature in individuals affected with CHD2-related conditions. Advanced modeling of protein sequence and biophysical properties (such as structural, functional, and spatial information, amino acid conservation, physicochemical variation, residue mobility, and thermodynamic stability) performed at Invitae indicates that this missense variant is not expected to disrupt CHD2 protein function. In summary, the available evidence is currently insufficient to determine the role of this variant in disease. Therefore, it has been classified as a Variant of Uncertain Significance.

NM_001271.4(CHD2):c.4319G>C (p.Arg1440Pro)

Gene: CHD2 (chromodomain helicase DNA binding protein 2; plus strand). Cytogenetic location: 15q26.1.
Variant type: single nucleotide variant.
Coding change: c.4319G>C on transcript NM_001271.4 (MANE Select); coding-DNA position 4319, G replaced by C.
Protein change: p.Arg1440Pro; replaces arginine 1440 with proline.
Molecular consequence: missense variant.
Genome position (GRCh38, 1-based): chr15:93,004,657, G>C. VCF-style: chr15-93004657-G-C. GRCh37 (hg19) VCF-style: chr15-93547887-G-C.
Other names: short protein forms R1440P.
Identifiers: ClinVar variation 2893861 (VCV002893861.3), dbSNP rs374157769, ClinGen allele CA7748451.